The following is an entry in ClinVar:

NC_000005.10:g.177964050_177973551del

Variant type: Deletion.
Genome position: GRCh38: chr5:177,964,050-177,973,551. GRCh37 (hg19): chr5:177,391,051-177,400,552.
Identifiers: ClinVar variation 156998 (VCV000156998.3), ClinGen allele CA212134.

ClinVar aggregate classification (germline): not provided (0 of 4 stars; one submission).

Conditions:
Large for gestational age. Identifiers: MedGen C1848395, HP:0001520.

Submission:

Institute of Molecular and Cell Biology, University of Tartu
No classification provided. Condition: Large for gestational age. Review status: no classification provided. Collection method: case-control. Allele origin: unknown. Affected: yes. Study: Kasak2014.
Comment: The study aimed to determine the contribution of copy number variants in the genetic etiology of normal and complicated pregnancies. The samples represented (i) maternal blood DNA drawn from healthy pregnant women during 1st or 2nd trimester and (ii) maternal and paternal blood DNA drawn at term pregnancy cases representing normal and complicated gestations (severe preeclampsia, PE; gestational diabetes, GD; small-for-gestational age newborn, SGA; large-for-gestational age newborn, LGA). We performed CNV calling based on genome-wide genotyping dataset (Illumina HumanOmniExpress-24-v1 BeadChip) by applying three algorithms, QuantiSNP, GADA (Genome Alteration Detection Algorithm) and CNstream in parallel. The acquired CNV calls were merged with HD-CNV (Hotspot Detector for Copy Number Variants) program and only the CNVs predicted by at least two programs, were considered in subsequent analysis.

Literature cited by the submitters: PubMed 25666259.